The following is an entry in ClinVar:

NM_001034853.2(RPGR):c.482T>G (p.Leu161Arg)

Gene: RPGR (retinitis pigmentosa GTPase regulator; minus strand). Cytogenetic location: Xp11.4.
Variant type: single nucleotide variant.
Coding change: c.482T>G on transcript NM_001034853.2 (MANE Select); coding-DNA position 482, T replaced by G.
Protein change: p.Leu161Arg; replaces leucine 161 with arginine.
Molecular consequence: missense variant. On other transcripts: non-coding transcript variant (6).
Genome position (GRCh38, 1-based): chrX:38,317,453, A>C on the plus strand (T>G on the coding strand, the complement: RPGR is on the minus strand). VCF-style: chrX-38317453-A-C. GRCh37 (hg19) VCF-style: chrX-38176706-A-C.
Other names: c.482T>G, p.Leu161Arg (NM_001367250.1, NM_001367251.1, NM_000328.3 and 3 more transcripts); c.512T>G, p.Leu171Arg (NM_001367248.1); c.479T>G, p.Leu160Arg (NM_001367249.1); short protein forms L171R, L160R, L161R.
Identifiers: ClinVar variation 3638477 (VCV003638477.2).

ClinVar aggregate classification (germline): Likely pathogenic (1 of 4 stars; one submission).

Conditions:
Primary ciliary dyskinesia. Also called: Ciliary dyskinesia. Identifiers: Orphanet 244, MedGen C0008780, MONDO:0016575, HP:0012265.

Submission:

Labcorp Genetics (formerly Invitae), Labcorp
Classification: Likely pathogenic for Primary ciliary dyskinesia. Last evaluated: 2025-04-10. Review status: criteria provided, single submitter. Criteria: Invitae Variant Classification Sherloc (09022015). Collection method: clinical testing. Allele origin: germline.
Comment: This sequence change replaces leucine, which is neutral and non-polar, with arginine, which is basic and polar, at codon 161 of the RPGR protein (p.Leu161Arg). This variant is not present in population databases (gnomAD no frequency). This missense change has been observed in individual(s) with retinitis pigmentosa (internal data). It has also been observed to segregate with disease in related individuals. ClinVar contains an entry for this variant (Variation ID: 3638477). Invitae Evidence Modeling of protein sequence and biophysical properties (such as structural, functional, and spatial information, amino acid conservation, physicochemical variation, residue mobility, and thermodynamic stability) indicates that this missense variant is expected to disrupt RPGR protein function with a positive predictive value of 95%. In summary, the currently available evidence indicates that the variant is pathogenic, but additional data are needed to prove that conclusively. Therefore, this variant has been classified as Likely Pathogenic.